The following is an entry in ClinVar:

ClinVar aggregate classification (germline): Uncertain significance (1 of 4 stars; one submission).

Conditions:
Tuberous sclerosis syndrome (TSC). Also called: Tuberous Sclerosis Complex; Tuberous sclerosis. Identifiers: Orphanet 805, MedGen C0041341, MONDO:0001734.

Submission:

All of Us Research Program, National Institutes of Health
Classification: Uncertain significance for Tuberous sclerosis syndrome. Last evaluated: 2023-12-18. Review status: criteria provided, single submitter. Criteria: ACMG Guidelines, 2015. Collection method: clinical testing. Allele origin: germline. Inheritance: Autosomal dominant inheritance. Observed: 1 variant allele, 1 heterozygote.
Comment: This missense variant replaces asparagine with aspartic acid at codon 398 of the TSC2 protein. Computational prediction suggests that this variant may not impact protein structure and function (internally defined REVEL score threshold <= 0.5, PMID: 27666373). To our knowledge, functional studies have not been reported for this variant. This variant has not been reported in individuals affected with TSC2-related disorders in the literature. This variant has not been identified in the general population by the Genome Aggregation Database (gnomAD). The available evidence is insufficient to determine the role of this variant in disease conclusively. Therefore, this variant is classified as a Variant of Uncertain Significance.

This study involves interpretation of variants in research participants for the purpose of population health screening. Participant phenotype was not available at the time of variant classification. Additional details can be found in publication PMID: 35346344, PMCID: PMC8962531

NM_000548.5(TSC2):c.1192A>G (p.Asn398Asp)

Gene: TSC2 (TSC complex subunit 2; plus strand). Cytogenetic location: 16p13.3.
Variant type: single nucleotide variant.
Coding change: c.1192A>G on transcript NM_000548.5 (MANE Select); coding-DNA position 1192, A replaced by G.
Protein change: p.Asn398Asp; replaces asparagine 398 with aspartic acid.
Molecular consequence: missense variant. On other transcripts: 5 prime UTR variant (10), non-coding transcript variant (5).
Genome position (GRCh38, 1-based): chr16:2,061,943, A>G. VCF-style: chr16-2061943-A-G. GRCh37 (hg19) VCF-style: chr16-2111944-A-G.
Other names: c.1192A>G, p.Asn398Asp (NM_001077183.3, NM_001114382.3, NM_001363528.2 and 6 more transcripts); c.1081A>G, p.Asn361Asp (NM_001318827.2, NM_001406670.1, NM_001406678.1); c.1045A>G, p.Asn349Asp (NM_001318829.2, NM_001406675.1, NM_001406676.1 and 1 more transcripts); c.592A>G, p.Asn198Asp (NM_001318831.2, NM_001406682.1, NM_001406683.1 and 6 more transcripts); c.1225A>G, p.Asn409Asp (NM_001318832.2); c.1282A>G, p.Asn428Asp (NM_001406667.1, NM_001406668.1); c.-153A>G (NM_001406689.1, NM_001406690.1, NM_001406691.1 and 4 more transcripts); c.-121A>G (NM_001406694.1, NM_001406695.1); and 4 more; short protein forms N198D, N244D, N349D, N361D, N379D, N394D, N398D, N409D.
Identifiers: ClinVar variation 3075052 (VCV003075052.1), dbSNP rs2548537658, ClinGen allele CA394320663.